The following is an entry in ClinVar:

ClinVar aggregate classification (germline): Uncertain significance. Review status: criteria provided, multiple submitters, no conflicts (2 of 4 stars). 2 submissions from 2 submitters: Uncertain significance (2). Last evaluated 2024-09-25.

Conditions:
Inborn genetic diseases. Identifiers: MedGen C0950123, MeSH D030342.

Allele frequency attached by ClinVar (database versions not stated): gnomAD exomes below 0.00001; gnomAD 0.00001; TOPMed 0.00001.
gnomAD v4.1: 6 of 1,597,514 alleles (0.00038%); highest among the groups gnomAD compares: African/African-American, 0.0013%; no homozygotes.

Submissions (2):

Ambry Genetics
Classification: Uncertain significance for Inborn genetic diseases. Last evaluated: 2024-09-25. Review status: criteria provided, single submitter. Criteria: Ambry Variant Classification Scheme 2023. Collection method: clinical testing. Allele origin: germline.

Labcorp Genetics (formerly Invitae), Labcorp
Classification: Uncertain significance. Last evaluated: 2023-11-04. Review status: criteria provided, single submitter. Criteria: Invitae Variant Classification Sherloc (09022015). Collection method: clinical testing. Allele origin: germline.
Comment: This sequence change replaces arginine, which is basic and polar, with histidine, which is basic and polar, at codon 365 of the CYFIP2 protein (p.Arg365His). This variant is not present in population databases (gnomAD no frequency). This variant has not been reported in the literature in individuals affected with CYFIP2-related conditions. Experimental studies and prediction algorithms are not available or were not evaluated, and the functional significance of this variant is currently unknown. In summary, the available evidence is currently insufficient to determine the role of this variant in disease. Therefore, it has been classified as a Variant of Uncertain Significance.

NM_001037333.3(CYFIP2):c.1094G>A (p.Arg365His)

Gene: CYFIP2 (cytoplasmic FMR1 interacting protein 2; plus strand). Cytogenetic location: 5q33.3.
Variant type: single nucleotide variant.
Coding change: c.1094G>A on transcript NM_001037333.3 (MANE Select); coding-DNA position 1094, G replaced by A.
Protein change: p.Arg365His; replaces arginine 365 with histidine.
Molecular consequence: missense variant.
Genome position (GRCh38, 1-based): chr5:157,311,765, G>A. VCF-style: chr5-157311765-G-A. GRCh37 (hg19) VCF-style: chr5-156738773-G-A.
Other names: c.1094G>A (NM_001037333.1); c.1016G>A, p.Arg339His (NM_001291721.2); c.1094G>A, p.Arg365His (NM_001291722.2, NM_014376.4); short protein forms R339H, R365H.
Identifiers: ClinVar variation 2789714 (VCV002789714.4), dbSNP rs1245707971, ClinGen allele CA361968140.